The following is an entry in ClinVar:

ClinVar aggregate classification (germline): Benign (1 of 4 stars; one submission).

Conditions:
Multiple endocrine neoplasia type 2A. Also called: Multiple Endocrine Neoplasia Type 2A (MEN2A); MULTIPLE ENDOCRINE NEOPLASIA, TYPE IIA; PTC SYNDROME; SIPPLE SYNDROME; MEN 2A; MEN-2A syndrome. Identifiers: Orphanet 247698, Orphanet 653, MedGen C0025268, MeSH D018813, MONDO:0008234, OMIM 171400.

Submission:

Myriad Genetics, Inc.
Classification: Benign for Multiple endocrine neoplasia type 2A. Last evaluated: 2025-02-27. Review status: criteria provided, single submitter. Criteria: Myriad Autosomal Dominant, Autosomal Recessive and X-Linked Classification Criteria (2023). Collection method: clinical testing. Allele origin: unknown.
Comment: This variant is considered benign. This variant is a silent/synonymous amino acid change and it is not expected to impact splicing.

NM_020975.6(RET):c.2656C>A (p.Arg886=)

Gene: RET (ret proto-oncogene; plus strand). Cytogenetic location: 10q11.21.
Variant type: single nucleotide variant.
Coding change: c.2656C>A on transcript NM_020975.6 (MANE Select); coding-DNA position 2656, C replaced by A.
Protein change: p.Arg886=; no amino-acid change (arginine 886 retained).
Molecular consequence: synonymous variant.
Genome position (GRCh38, 1-based): chr10:43,120,129, C>A. VCF-style: chr10-43120129-C-A. GRCh37 (hg19) VCF-style: chr10-43615577-C-A.
Other names: c.1894C>A, p.Arg632= (NM_001355216.2); c.2656C>A, p.Arg886= (NM_001406743.1, NM_001406744.1, NM_001406759.1 and 2 more transcripts); c.2527C>A, p.Arg843= (NM_001406761.1, NM_001406762.1, NM_001406764.1); c.2521C>A, p.Arg841= (NM_001406763.1, NM_001406765.1); c.2368C>A, p.Arg790= (NM_001406766.1, NM_001406767.1, NM_001406770.1); c.2392C>A, p.Arg798= (NM_001406768.1); c.2260C>A, p.Arg754= (NM_001406769.1, NM_001406772.1); c.2218C>A, p.Arg740= (NM_001406771.1, NM_001406773.1); and 10 more.
Identifiers: ClinVar variation 3904594 (VCV003904594.1).